The following is an entry in ClinVar:

NM_001243177.4(ALDOA):c.1032C>T (p.Cys344=)

Genes: ALDOA (aldolase, fructose-bisphosphate A; plus strand), LOC112694756 (uncharaterized LOC112694756; plus strand). Cytogenetic location: 16p11.2.
Variant type: single nucleotide variant.
Coding change: c.1032C>T on transcript NM_001243177.4 (MANE Select); coding-DNA position 1032, C replaced by T.
Protein change: p.Cys344=; no amino-acid change (cysteine 344 retained).
Molecular consequence: synonymous variant. On other transcripts: 3 prime UTR variant (3).
Genome position (GRCh38, 1-based): chr16:30,069,900, C>T. VCF-style: chr16-30069900-C-T. GRCh37 (hg19) VCF-style: chr16-30081221-C-T.
Other names: NM_000034.3:c.870C>T; c.*1379C>T (NM_001365304.2, NM_001365305.2, NM_001365307.2); c.870C>T, p.Cys290= (NM_001127617.2, NM_184041.5, NM_184043.2).
Identifiers: ClinVar variation 390408 (VCV000390408.4), dbSNP rs767840312, ClinGen allele CA8001188.

ClinVar aggregate classification (germline): Likely benign. Review status: criteria provided, multiple submitters, no conflicts (2 of 4 stars). 3 submissions from 3 submitters: Likely benign (2). 1 of the submissions does not count toward it. Last evaluated 2024-09-13.

Conditions:
ALDOA-related disorder. Also called: ALDOA-related condition.
HNSHA due to aldolase A deficiency (GSD12). Also called: GLYCOGEN STORAGE DISEASE XII; GSD XII; RED CELL ALDOLASE DEFICIENCY; Glycogen storage disease due to aldolase A deficiency. Identifiers: Orphanet 57, MedGen C0272066, MONDO:0012747, OMIM 611881.

Allele frequency attached by ClinVar (database versions not stated): gnomAD 0.00001; gnomAD exomes 0.00001 and 0.00002; TOPMed 0.00001; ExAC 0.00002.
gnomAD v4.1: 11 of 1,614,048 alleles (0.00068%); highest among the groups gnomAD compares: South Asian, 0.0088%; no homozygotes.

Submissions (3):

ARUP Laboratories, Molecular Genetics and Genomics, ARUP Laboratories
Classification: Likely benign for HNSHA due to aldolase A deficiency. Last evaluated: 2024-09-13. Review status: criteria provided, single submitter. Criteria: ARUP Molecular Germline Variant Investigation Process 2024. Collection method: clinical testing. Allele origin: germline.

GeneDx
Classification: Likely benign. Last evaluated: 2016-11-15. Review status: criteria provided, single submitter. Criteria: GeneDx Variant Classification (06012015). Collection method: clinical testing. Allele origin: germline. Affected: yes.
Comment: This variant is considered likely benign or benign based on one or more of the following criteria: it is a conservative change, it occurs at a poorly conserved position in the protein, it is predicted to be benign by multiple in silico algorithms, and/or has population frequency not consistent with disease.

PreventionGenetics, part of Exact Sciences
Classification: Likely benign for ALDOA-related condition. Last evaluated: 2021-04-06. Review status: no assertion criteria provided. Collection method: clinical testing. Allele origin: germline. Not counted in ClinVar's aggregate classification.
Comment: This variant is classified as likely benign based on ACMG/AMP sequence variant interpretation guidelines (Richards et al. 2015 PMID: 25741868, with internal and published modifications).